The following is an entry in ClinVar:

ClinVar aggregate classification (germline): Benign/Likely benign. Review status: criteria provided, multiple submitters, no conflicts (2 of 4 stars). 3 submissions from 3 submitters: Benign (1); Likely benign (2). Last evaluated 2026-05-01.

Conditions:
Colorectal cancer, hereditary nonpolyposis, type 7. Identifiers: Orphanet 144, MedGen C1858380, MONDO:0013725, OMIM 614385.

Allele frequency attached by ClinVar (database versions not stated): gnomAD 0.00001.
gnomAD v4.1: 2 of 1,614,034 alleles (0.00012%); highest among the groups gnomAD compares: African/African-American, 0.0027%; no homozygotes.

Submissions (3):

Myriad Genetics, Inc.
Classification: Benign for Colorectal cancer, hereditary nonpolyposis, type 7. Last evaluated: 2026-05-01. Review status: criteria provided, single submitter. Criteria: Myriad Autosomal Dominant, Autosomal Recessive and X-Linked Classification Criteria (2023). Collection method: clinical testing. Allele origin: unknown.
Comment: This variant is considered benign. This variant is a silent/synonymous amino acid change and it is not expected to impact splicing.

Labcorp Genetics (formerly Invitae), Labcorp
Classification: Likely benign for Colorectal cancer, hereditary nonpolyposis, type 7. Last evaluated: 2022-11-01. Review status: criteria provided, single submitter. Criteria: Invitae Variant Classification Sherloc (09022015). Collection method: clinical testing. Allele origin: germline.

Ambry Genetics
Classification: Likely benign. Last evaluated: 2022-03-30. Review status: criteria provided, single submitter. Criteria: Ambry Variant Classification Scheme 2023. Collection method: clinical testing. Allele origin: germline.

NM_001040108.2(MLH3):c.1530C>T (p.Ser510=)

Gene: MLH3 (mutL homolog 3; minus strand). Cytogenetic location: 14q24.3.
Variant type: single nucleotide variant.
Coding change: c.1530C>T on transcript NM_001040108.2 (MANE Select); coding-DNA position 1530, C replaced by T.
Protein change: p.Ser510=; no amino-acid change (serine 510 retained).
Molecular consequence: synonymous variant.
Genome position (GRCh38, 1-based): chr14:75,048,126, G>A on the plus strand (C>T on the coding strand, the complement: MLH3 is on the minus strand). VCF-style: chr14-75048126-G-A. GRCh37 (hg19) VCF-style: chr14-75514829-G-A.
Other names: c.1530C>T, p.Ser510= (NM_014381.3).
Identifiers: ClinVar variation 1774613 (VCV001774613.6), dbSNP rs1892391655, ClinGen allele CA487273669.